The following is an entry in ClinVar:

NM_032228.6(FAR1):c.1419C>G (p.Ile473Met)

Gene: FAR1 (fatty acyl-CoA reductase 1; plus strand). Cytogenetic location: 11p15.3.
Variant type: single nucleotide variant.
Coding change: c.1419C>G on transcript NM_032228.6 (MANE Select); coding-DNA position 1419, C replaced by G.
Protein change: p.Ile473Met; replaces isoleucine 473 with methionine.
Molecular consequence: missense variant.
Genome position (GRCh38, 1-based): chr11:13,728,645, C>G. VCF-style: chr11-13728645-C-G. GRCh37 (hg19) VCF-style: chr11-13750192-C-G.
Other names: short protein forms I473M.
Identifiers: ClinVar variation 2857010 (VCV002857010.3), dbSNP rs1848690891, ClinGen allele CA379859330.

ClinVar aggregate classification (germline): Uncertain significance (1 of 4 stars; one submission).

Submission:

Labcorp Genetics (formerly Invitae), Labcorp
Classification: Uncertain significance. Last evaluated: 2023-08-10. Review status: criteria provided, single submitter. Criteria: Invitae Variant Classification Sherloc (09022015). Collection method: clinical testing. Allele origin: germline.
Comment: This variant is not present in population databases (gnomAD no frequency). In summary, the available evidence is currently insufficient to determine the role of this variant in disease. Therefore, it has been classified as a Variant of Uncertain Significance. An algorithm developed to predict the effect of missense changes on protein structure and function (PolyPhen-2) suggests that this variant is likely to be tolerated. This variant has not been reported in the literature in individuals affected with FAR1-related conditions. This sequence change replaces isoleucine, which is neutral and non-polar, with methionine, which is neutral and non-polar, at codon 473 of the FAR1 protein (p.Ile473Met).